The following is an entry in ClinVar:

ClinVar aggregate classification (germline): Likely pathogenic (1 of 4 stars; one submission).

Conditions:
Okur-Chung neurodevelopmental syndrome (OCNDS). Identifiers: Orphanet 689422, MedGen C4310739, MONDO:0014893, OMIM 617062.

Submission:

Department of Human Genetics, Hannover Medical School
Classification: Likely pathogenic for Okur-Chung neurodevelopmental syndrome. Last evaluated: 2025-05-21. Review status: criteria provided, single submitter. Criteria: ACMG Guidelines, 2015. Collection method: clinical testing. Allele origin: germline. Affected: yes.
Comment: ACMG: PM1_Supporting, PM2_Supporting, PM5_Supporting, PP2, PP3_Moderate

NM_177559.3(CSNK2A1):c.474G>C (p.Lys158Asn)

Gene: CSNK2A1 (casein kinase 2 alpha 1; minus strand). Cytogenetic location: 20p13.
Variant type: single nucleotide variant.
Coding change: c.474G>C on transcript NM_177559.3 (MANE Select); coding-DNA position 474, G replaced by C.
Protein change: p.Lys158Asn; replaces lysine 158 with asparagine.
Molecular consequence: missense variant.
Genome position (GRCh38, 1-based): chr20:495,755, C>G on the plus strand (G>C on the coding strand, the complement: CSNK2A1 is on the minus strand). VCF-style: chr20-495755-C-G. GRCh37 (hg19) VCF-style: chr20-476399-C-G.
Other names: c.474G>C, p.Lys158Asn (NM_001362770.2, NM_001362771.2, NM_001895.4); c.66G>C, p.Lys22Asn (NM_177560.3); short protein forms K158N, K22N.
Identifiers: ClinVar variation 3899397 (VCV003899397.1).
Genomic context (GRCh38, chr20:495,755, plus strand): 5'-ACACTTGTCAGCCTATCACTTTACCTTTCTGTGCTCATGATCAATCATGACATTATGGGG[C>G]TTGACATCTCTGTGCATAATTCCCATGCTGTGACAATAATCCAGGGCCTGTGGGATGAAC-3'
Protein context (NP_808227.1, residues 148-168): HSMGIMHRDV[Lys158Asn]PHNVMIDHEH